The following is an entry in ClinVar:

ClinVar aggregate classification (germline): Uncertain significance. Review status: criteria provided, multiple submitters, no conflicts (2 of 4 stars). 2 submissions from 2 submitters: Uncertain significance (2). Last evaluated 2025-05-02.

Allele frequency attached by ClinVar (database versions not stated): TOPMed 0.00003; ExAC 0.00004; 1000 Genomes Project 30x 0.00016; 1000 Genomes Project 0.00020; gnomAD 0.00003; gnomAD exomes 0.00004.
gnomAD v4.1: 65 of 1,614,120 alleles (0.004%); highest among the groups gnomAD compares: Admixed American, 0.025%; no homozygotes.

Submissions (2):

Labcorp Genetics (formerly Invitae), Labcorp
Classification: Uncertain significance. Last evaluated: 2025-05-02. Review status: criteria provided, single submitter. Criteria: Invitae Variant Classification Sherloc (09022015). Collection method: clinical testing. Allele origin: germline.
Comment: This sequence change replaces arginine, which is basic and polar, with glutamine, which is neutral and polar, at codon 186 of the SNIP1 protein (p.Arg186Gln). This variant is present in population databases (rs144543121, gnomAD 0.07%), and has an allele count higher than expected for a pathogenic variant. This variant has not been reported in the literature in individuals affected with SNIP1-related conditions. ClinVar contains an entry for this variant (Variation ID: 2721720). Invitae Evidence Modeling of protein sequence and biophysical properties (such as structural, functional, and spatial information, amino acid conservation, physicochemical variation, residue mobility, and thermodynamic stability) indicates that this missense variant is not expected to disrupt SNIP1 protein function with a negative predictive value of 80%. In summary, the available evidence is currently insufficient to determine the role of this variant in disease. Therefore, it has been classified as a Variant of Uncertain Significance.

Ambry Genetics
Classification: Uncertain significance. Last evaluated: 2025-02-25. Review status: criteria provided, single submitter. Criteria: Ambry Variant Classification Scheme 2023. Collection method: clinical testing. Allele origin: germline.

NM_024700.4(SNIP1):c.557G>A (p.Arg186Gln)

Genes: SNIP1 (Smad nuclear interacting protein 1; minus strand), LOC126805704 (BRD4-independent group 4 enhancer GRCh37_chr1:38005292-38006491; plus strand). Cytogenetic location: 1p34.3.
Variant type: single nucleotide variant.
Coding change: c.557G>A on transcript NM_024700.4 (MANE Select); coding-DNA position 557, G replaced by A.
Protein change: p.Arg186Gln; replaces arginine 186 with glutamine.
Molecular consequence: missense variant.
Genome position (GRCh38, 1-based): chr1:37,540,526, C>T on the plus strand (G>A on the coding strand, the complement: SNIP1 is on the minus strand). VCF-style: chr1-37540526-C-T. GRCh37 (hg19) VCF-style: chr1-38006127-C-T.
Other names: c.557G>A (NM_024700.2); short protein forms R186Q.
Identifiers: ClinVar variation 2721720 (VCV002721720.4), dbSNP rs144543121, ClinGen allele CA771308.